The following is an entry in ClinVar:

NC_000016.9:g.(?_89160207)_(89212467_?)del

Gene: ACSF3 (acyl-CoA synthetase family member 3; plus strand). Cytogenetic location: 16q24.3.
Variant type: Deletion.
Identifiers: ClinVar variation 1072094 (VCV001072094.6).

ClinVar aggregate classification (germline): Pathogenic (1 of 4 stars; one submission).

Conditions:
Combined malonic and methylmalonic acidemia. Identifiers: Orphanet 289504, MedGen C3280314, MONDO:0013661, OMIM 614265.

Submission:

Labcorp Genetics (formerly Invitae), Labcorp
Classification: Pathogenic for Combined malonic and methylmalonic acidemia. Last evaluated: 2022-05-30. Review status: criteria provided, single submitter. Criteria: Invitae Variant Classification Sherloc (09022015). Collection method: clinical testing. Allele origin: germline.
Comment: For these reasons, this variant has been classified as Pathogenic. This variant has not been reported in the literature in individuals affected with ACSF3-related conditions. This variant is a gross deletion of the genomic region encompassing exon(s) 1-10 of the ACSF3 gene, which includes the initiator codon. This deletion extends beyond the assayed region for this gene and therefore may encompass additional genes. It is expected to result in an absent or disrupted protein product. Loss-of-function variants in ACSF3 are known to be pathogenic (PMID: 21841779, 26827111).

Literature cited by the submitters: PubMed 21841779; PubMed 26827111.